The following is an entry in ClinVar:

ClinVar aggregate classification (germline): Uncertain significance (1 of 4 stars; one submission).

Conditions:
Severe combined immunodeficiency due to DNA-PKcs deficiency. Also called: IMMUNODEFICIENCY 26 WITH NEUROLOGIC ABNORMALITIES; Immunodeficiency 26 with or without neurologic abnormalities. Identifiers: Orphanet 317425, MedGen C4014833, MONDO:0014423, OMIM 615966.

Submission:

Labcorp Genetics (formerly Invitae), Labcorp
Classification: Uncertain significance for Severe combined immunodeficiency due to DNA-PKcs deficiency. Last evaluated: 2021-01-04. Review status: criteria provided, single submitter. Criteria: Invitae Variant Classification Sherloc (09022015). Collection method: clinical testing. Allele origin: germline.
Comment: In summary, the available evidence is currently insufficient to determine the role of this variant in disease. Therefore, it has been classified as a Variant of Uncertain Significance. Experimental studies and prediction algorithms are not available or were not evaluated, and the functional significance of this variant is currently unknown. This variant has not been reported in the literature in individuals with PRKDC-related conditions. This variant results in a copy number gain of the genomic region encompassing exon(s) 81-86 of the PRKDC gene. The 5' boundary is likely confined to intron 80. The 3' end of this event is unknown as it extends beyond the assayed region for this gene and therefore may encompass additional genes. As the precise location of this event is unknown, it may be in tandem or it may be located elsewhere in the genome.

NC_000008.10:g.(?_48686734)_(48691674_?)dup

Gene: PRKDC (protein kinase, DNA-activated, catalytic subunit; minus strand). Cytogenetic location: 8q11.21.
Variant type: Duplication.
Identifiers: ClinVar variation 1447836 (VCV001447836.4).